The following is an entry in ClinVar:

ClinVar aggregate classification (germline): Likely pathogenic (1 of 4 stars; one submission).

Conditions:
Cardiomyopathy (CMYO). Also called: Cardiomyopathies. Identifiers: Orphanet 167848, MedGen C0878544, MONDO:0004994, HP:0001638. Inheritance: Various modes of inheritance.

Submission:

Dubai Health Genomic Medicine Center, Dubai Health
Classification: Likely pathogenic for Cardiomyopathy. Last evaluated: 2024-10-04. Review status: criteria provided, single submitter. Criteria: ACMG Guidelines, 2015. Collection method: research. Allele origin: germline. Affected: yes.
Comment: PVS1,PM2

NM_001458.5(FLNC):c.263del (p.Pro88fs)

Gene: FLNC (filamin C; plus strand). Cytogenetic location: 7q32.1.
Variant type: Deletion.
Coding change: c.263del on transcript NM_001458.5 (MANE Select); coding-DNA position 263, one base deleted (C; older notation c.263delC).
Protein change: p.Pro88fs; shifts the reading frame from proline 88.
Molecular consequence: frameshift variant.
Genome position (GRCh38, 1-based): chr7:128,830,900, C deleted; the last of 2 consecutive C bases (chr7:128,830,899-128,830,900); deleting either gives the same sequence. VCF-style (leftmost placement, unchanged base first): chr7-128830898-TC-T. GRCh37 (hg19) VCF-style: chr7-128470952-TC-T.
Other names: c.263del, p.Pro88fs (NM_001127487.2); short protein forms P88fs.
Identifiers: ClinVar variation 1810238 (VCV001810238.2), dbSNP rs2536605566, ClinGen allele CA2580076526.